The following is an entry in ClinVar:

NM_014045.5(LRP10):c.89A>T (p.Asp30Val)

Gene: LRP10 (LDL receptor related protein 10; plus strand). Cytogenetic location: 14q11.2.
Variant type: single nucleotide variant.
Coding change: c.89A>T on transcript NM_014045.5 (MANE Select); coding-DNA position 89, A replaced by T.
Protein change: p.Asp30Val; replaces aspartic acid 30 with valine.
Molecular consequence: missense variant.
Genome position (GRCh38, 1-based): chr14:22,873,320, A>T. VCF-style: chr14-22873320-A-T. GRCh37 (hg19) VCF-style: chr14-23342529-A-T.
Other names: p.Asp30Val; c.89A>T, p.Asp30Val (NM_001329226.2); short protein forms D30V.
Identifiers: ClinVar variation 4541818 (VCV004541818.1).
Genomic context (GRCh38, chr14:22,873,320, plus strand): 5'-TGGGATGCAAAGGGGCTGTCTACTACCCGTGTCCTACCTTCCTCTCTCCAGCTTGTGAGG[A>T]CCCCCCAGCAGTGCTCTTAGAAGTGCAGGGCACCTTACAGAGGCCCCTGGTCCGGGACAG-3'
Protein context (NP_054764.2, residues 20-40): RIIFPNHACE[Asp30Val]PPAVLLEVQG

ClinVar aggregate classification (germline): Uncertain significance (1 of 4 stars; one submission).

Submission:

Mayo Clinic Laboratories, Mayo Clinic
Classification: Uncertain significance. Last evaluated: 2025-06-22. Review status: criteria provided, single submitter. Criteria: ACMG Guidelines, 2015. Collection method: clinical testing. Allele origin: germline. Observed: 1 variant allele.
Comment: BP4, PM2_supporting